The following is an entry in ClinVar:

NM_032271.3(TRAF7):c.788A>C (p.Lys263Thr)

Gene: TRAF7 (TNF receptor associated factor 7; plus strand). Cytogenetic location: 16p13.3.
Variant type: single nucleotide variant.
Coding change: c.788A>C on transcript NM_032271.3 (MANE Select); coding-DNA position 788, A replaced by C.
Protein change: p.Lys263Thr; replaces lysine 263 with threonine.
Molecular consequence: missense variant.
Genome position (GRCh38, 1-based): chr16:2,172,593, A>C. VCF-style: chr16-2172593-A-C. GRCh37 (hg19) VCF-style: chr16-2222594-A-C.
Other names: short protein forms K263T.
Identifiers: ClinVar variation 1810278 (VCV001810278.1), dbSNP rs2545005548, ClinGen allele CA394322781.

ClinVar aggregate classification (germline): Uncertain significance (1 of 4 stars; one submission).

Conditions:
Global developmental delay (DD). Also called: Cognitive delay. Identifiers: MedGen C0557874, HP:0001263. Disease mechanism: loss of function.

Submission:

Human Genetics Bochum, Ruhr University Bochum
Classification: Uncertain significance for Global developmental delay. Last evaluated: 2022-12-05. Review status: criteria provided, single submitter. Criteria: ACMG Guidelines, 2015. Collection method: clinical testing. Allele origin: germline. Affected: yes.
Comment: ACMG criteria used to clasify this variant: PM2_SUP